The following is an entry in ClinVar:

NM_001165963.4(SCN1A):c.4002+2381C>T

Genes: SCN1A (sodium voltage-gated channel alpha subunit 1; minus strand), LOC102724058 (uncharacterized LOC102724058; plus strand). Cytogenetic location: 2q24.3.
Variant type: single nucleotide variant.
Coding change: c.4002+2381C>T on transcript NM_001165963.4 (MANE Select); 2381 bases into the intron after coding-DNA position 4002, C replaced by T.
Molecular consequence: intron variant.
Genome position (GRCh38, 1-based): chr2:166,007,338, G>A on the plus strand (C>T on the coding strand, the complement: SCN1A is on the minus strand). VCF-style: chr2-166007338-G-A. GRCh37 (hg19) VCF-style: chr2-166863848-G-A.
Other names: c.3969+2381C>T (NM_001353949.2, NM_001353950.2, NM_001353951.2 and 2 more transcripts); c.3918+2381C>T (NM_001353958.2, NM_001353957.2, NM_001165964.3); c.4002+2381C>T (NM_001202435.3, NM_001353948.2); c.3966+2381C>T (NM_001353955.2, NM_001353954.2); c.3915+2381C>T (NM_001353960.2); c.1560+2381C>T (NM_001353961.2).
Identifiers: ClinVar variation 1651512 (VCV001651512.9), dbSNP rs537142789, ClinGen allele CA59771579.

ClinVar aggregate classification (germline): Uncertain significance (1 of 4 stars; one submission).

Conditions:
Early-infantile DEE. Also called: Ohtahara syndrome; Early infantile epileptic encephalopathy; Early infantile epileptic encephalopathy with suppression bursts. Identifiers: Orphanet 1934, MedGen C0393706, MONDO:0800491.

Allele frequency attached by ClinVar (database versions not stated): gnomAD 0.00001; TOPMed 0.00001; 1000 Genomes Project 30x 0.00016; 1000 Genomes Project 0.00020.
gnomAD v4.1: 2 of 151,286 alleles (0.0013%); highest among the groups gnomAD compares: East Asian, 0.039%; no homozygotes.

Submission:

Labcorp Genetics (formerly Invitae), Labcorp
Classification: Uncertain significance for Early-infantile DEE. Last evaluated: 2025-08-04. Review status: criteria provided, single submitter. Criteria: Invitae Variant Classification Sherloc (09022015). Collection method: clinical testing. Allele origin: germline.
Comment: This sequence change falls in intron 20 of the SCN1A gene. It does not directly change the encoded amino acid sequence of the SCN1A protein. However, this sequence change falls within a region encompassing a cryptic exon in the SCN1A gene, in which variants have been shown to alter splicing (PMID: 30526861, 34107977). This variant is not present in population databases (gnomAD no frequency). This variant has been observed in individuals with clinical features of developmental and epileptic encephalopathy (internal data). ClinVar contains an entry for this variant (Variation ID: 1651512). Algorithms developed to predict the effect of sequence changes on RNA splicing suggest that this variant is not likely to affect RNA splicing. In summary, the available evidence is currently insufficient to determine the role of this variant in disease. Therefore, it has been classified as a Variant of Uncertain Significance.

Literature cited by the submitters: PubMed 30526861; PubMed 34107977.